The following is an entry in ClinVar:

ClinVar aggregate classification (germline): Uncertain significance. Review status: criteria provided, multiple submitters, no conflicts (2 of 4 stars). 3 submissions from 3 submitters: Uncertain significance (3). Last evaluated 2024-06-29.

Conditions:
RYR1-related disorder. Also called: RYR1-related condition; RYR1-related disorders. Identifiers: MedGen CN239331.
Malignant hyperthermia, susceptibility to, 1 (MHS1). Also called: Anesthesia related hyperthermia; Malignant hyperpyrexia; Fulminating hyperpyrexia; Pharmacogenic myopathy; RYR1-Related Malignant Hyperthermia Susceptibility; Malignant hyperthermia suceptibility 1. Identifiers: Orphanet 423, MedGen C2930980, MONDO:0007783, OMIM 145600.

Allele frequency attached by ClinVar (database versions not stated): gnomAD exomes 0.00001; TOPMed 0.00003; ExAC 0.00004; gnomAD 0.00004.
gnomAD v4.1: 21 of 1,613,966 alleles (0.0013%); highest among the groups gnomAD compares: African/African-American, 0.008%; no homozygotes.

Submissions (3):

Labcorp Genetics (formerly Invitae), Labcorp
Classification: Uncertain significance for RYR1-related disorder. Last evaluated: 2024-06-29. Review status: criteria provided, single submitter. Criteria: Invitae Variant Classification Sherloc (09022015). Collection method: clinical testing. Allele origin: germline.
Comment: This sequence change replaces asparagine, which is neutral and polar, with serine, which is neutral and polar, at codon 3805 of the RYR1 protein (p.Asn3805Ser). This variant is present in population databases (rs753534582, gnomAD 0.008%). This variant has not been reported in the literature in individuals affected with RYR1-related conditions. Advanced modeling of protein sequence and biophysical properties (such as structural, functional, and spatial information, amino acid conservation, physicochemical variation, residue mobility, and thermodynamic stability) performed at Invitae indicates that this missense variant is not expected to disrupt RYR1 protein function with a negative predictive value of 95%. In summary, the available evidence is currently insufficient to determine the role of this variant in disease. Therefore, it has been classified as a Variant of Uncertain Significance.

Color Diagnostics, LLC DBA Color Health
Classification: Uncertain significance for Malignant hyperthermia, susceptibility to, 1. Last evaluated: 2024-03-06. Review status: criteria provided, single submitter. Criteria: ACMG Guidelines, 2015. Collection method: clinical testing. Allele origin: germline.
Comment: This missense variant replaces asparagine with serine at codon 3805 of the RYR1 protein. Computational prediction suggests that this variant may not impact protein structure and function. To our knowledge, functional studies have not been reported for this variant. This variant has not been reported in individuals affected with RYR1-related disorders in the literature. This variant has been identified in 6/282746 chromosomes in the general population by the Genome Aggregation Database (gnomAD). The available evidence is insufficient to determine the role of this variant in disease conclusively. Therefore, this variant is classified as a Variant of Uncertain Significance.

All of Us Research Program, National Institutes of Health
Classification: Uncertain significance for Malignant hyperthermia, susceptibility to, 1. Last evaluated: 2024-01-11. Review status: criteria provided, single submitter. Criteria: ACMG Guidelines, 2015. Collection method: clinical testing. Allele origin: germline. Inheritance: Autosomal dominant inheritance. Observed: 4 variant alleles, 4 heterozygotes.
Comment: This missense variant replaces asparagine with serine at codon 3805 of the RYR1 protein. Computational prediction suggests that this variant may not impact protein structure and function (internally defined REVEL score threshold <= 0.5, PMID: 27666373). To our knowledge, functional studies have not been reported for this variant. This variant has not been reported in individuals affected with RYR1-related disorders in the literature. This variant has been identified in 6/282746 chromosomes in the general population by the Genome Aggregation Database (gnomAD). The available evidence is insufficient to determine the role of this variant in disease conclusively. Therefore, this variant is classified as a Variant of Uncertain Significance.

This study involves interpretation of variants in research participants for the purpose of population health screening. Participant phenotype was not available at the time of variant classification. Additional details can be found in publication PMID: 35346344, PMCID: PMC8962531

NM_000540.3(RYR1):c.11414A>G (p.Asn3805Ser)

Gene: RYR1 (ryanodine receptor 1; plus strand). Cytogenetic location: 19q13.2.
Variant type: single nucleotide variant.
Coding change: c.11414A>G on transcript NM_000540.3 (MANE Select); coding-DNA position 11414, A replaced by G.
Protein change: p.Asn3805Ser; replaces asparagine 3805 with serine.
Molecular consequence: missense variant.
Genome position (GRCh38, 1-based): chr19:38,535,195, A>G. VCF-style: chr19-38535195-A-G. GRCh37 (hg19) VCF-style: chr19-39025835-A-G.
Other names: c.11399A>G, p.Asn3800Ser (NM_001042723.2); short protein forms N3800S, N3805S.
Identifiers: ClinVar variation 3071385 (VCV003071385.4), dbSNP rs753534582, ClinGen allele CA056882.